The following is an entry in ClinVar:

NM_015896.4(ZMYND10):c.152C>T (p.Thr51Ile)

Gene: ZMYND10 (zinc finger MYND-type containing 10; minus strand). Cytogenetic location: 3p21.31.
Variant type: single nucleotide variant.
Coding change: c.152C>T on transcript NM_015896.4 (MANE Select); coding-DNA position 152, C replaced by T.
Protein change: p.Thr51Ile; replaces threonine 51 with isoleucine.
Molecular consequence: missense variant.
Genome position (GRCh38, 1-based): chr3:50,345,173, G>A on the plus strand (C>T on the coding strand, the complement: ZMYND10 is on the minus strand). VCF-style: chr3-50345173-G-A. GRCh37 (hg19) VCF-style: chr3-50382604-G-A.
Other names: c.152C>T, p.Thr51Ile (NM_001308379.2); short protein forms T51I.
Identifiers: ClinVar variation 2990294 (VCV002990294.3), dbSNP rs2470926793, ClinGen allele CA352945588.

ClinVar aggregate classification (germline): Uncertain significance (1 of 4 stars; one submission).

Conditions:
Primary ciliary dyskinesia. Also called: Ciliary dyskinesia. Identifiers: Orphanet 244, MedGen C0008780, MONDO:0016575, HP:0012265.

Submission:

Labcorp Genetics (formerly Invitae), Labcorp
Classification: Uncertain significance for Primary ciliary dyskinesia. Last evaluated: 2023-12-27. Review status: criteria provided, single submitter. Criteria: Invitae Variant Classification Sherloc (09022015). Collection method: clinical testing. Allele origin: germline.
Comment: This sequence change replaces threonine, which is neutral and polar, with isoleucine, which is neutral and non-polar, at codon 51 of the ZMYND10 protein (p.Thr51Ile). This variant is not present in population databases (gnomAD no frequency). This variant has not been reported in the literature in individuals affected with ZMYND10-related conditions. Advanced modeling of protein sequence and biophysical properties (such as structural, functional, and spatial information, amino acid conservation, physicochemical variation, residue mobility, and thermodynamic stability) performed at Invitae indicates that this missense variant is not expected to disrupt ZMYND10 protein function with a negative predictive value of 80%. In summary, the available evidence is currently insufficient to determine the role of this variant in disease. Therefore, it has been classified as a Variant of Uncertain Significance.